The following is an entry in ClinVar:

ClinVar aggregate classification (germline): Pathogenic/Likely pathogenic. Review status: criteria provided, multiple submitters, no conflicts (2 of 4 stars). 6 submissions from 6 submitters: Pathogenic (2); Likely pathogenic (3). 1 of the submissions does not count toward it. Last evaluated 2024-05-25.

Conditions:
HGD-related disorders.
Alkaptonuria (AKU). Also called: Alcaptonuria; Homogentisic acidura; HOMOGENTISIC ACID OXIDASE DEFICIENCY; Alkaptonuric ochronosis. Identifiers: Orphanet 56, MedGen C0002066, MONDO:0008753, OMIM 203500.

gnomAD v4.1: 4 of 1,614,088 alleles (0.00025%); highest among the groups gnomAD compares: Non-Finnish European, 0.00034%; no homozygotes.

Submissions (6):

Fulgent Genetics
Classification: Likely pathogenic for Alkaptonuria. Last evaluated: 2024-05-25. Review status: criteria provided, single submitter. Criteria: ACMG Guidelines, 2015. Collection method: clinical testing. Allele origin: germline.

Mayo Clinic Laboratories, Mayo Clinic
Classification: Pathogenic. Last evaluated: 2024-04-05. Review status: criteria provided, single submitter. Criteria: ACMG Guidelines, 2015. Collection method: clinical testing. Allele origin: germline. Observed: 1 variant allele.
Comment: PP4, PM2, PVS1

Blueprint Genetics
Classification: Likely pathogenic for HGD-related disorders. Last evaluated: 2024-03-14. Review status: criteria provided, single submitter. Criteria: ACMG Guidelines, 2015. Collection method: clinical testing. Allele origin: germline. Affected: yes. Observed: 3 variant alleles.

Labcorp Genetics (formerly Invitae), Labcorp
Classification: Pathogenic for Alkaptonuria. Last evaluated: 2023-11-05. Review status: criteria provided, single submitter. Criteria: Invitae Variant Classification Sherloc (09022015). Collection method: clinical testing. Allele origin: germline.
Comment: This sequence change creates a premature translational stop signal (p.Arg347*) in the HGD gene. It is expected to result in an absent or disrupted protein product. Loss-of-function variants in HGD are known to be pathogenic (PMID: 12501223, 19862842). This variant is not present in population databases (gnomAD no frequency). This variant has not been reported in the literature in individuals affected with HGD-related conditions. ClinVar contains an entry for this variant (Variation ID: 850435). For these reasons, this variant has been classified as Pathogenic.

Juno Genomics, Hangzhou Juno Genomics, Inc
Classification: Likely pathogenic for Alkaptonuria. Review status: criteria provided, single submitter. Criteria: ACMG Guidelines, 2015. Collection method: clinical testing. Allele origin: germline.
Comment: Null variant in a gene where loss of function (LOF) is a known mechanism of disease.;Absent from controls (or at extremely low frequency if recessive) in Genome Aggregation Database.

Department Of Human Genetics, Institute Of Clinical And Translational Research, Biomedical Research Center, Slovak Academy Of Sciences
Classification: Pathogenic for Alkaptonuria. Review status: no assertion criteria provided. Collection method: research. Allele origin: germline. Inheritance: Autosomal recessive inheritance. Affected: yes. Observed: 1 variant allele. Not counted in ClinVar's aggregate classification.
Comment: The variant was originally described in AKU patient in PMID:32212000. It has been submitted to the HGD gene mutation database (DB-ID: AKU_00252).

Literature cited by the submitters: PubMed 32212000 (cited by Mayo Clinic Laboratories, Mayo Clinic and Department Of Human Genetics, Institute Of Clinical And Translational Research, Biomedical Research Center, Slovak Academy Of Sciences); PubMed 12501223 (cited by Labcorp Genetics (formerly Invitae), Labcorp); PubMed 19862842 (cited by Labcorp Genetics (formerly Invitae), Labcorp).

NM_000187.4(HGD):c.1039C>T (p.Arg347Ter)

Gene: HGD (homogentisate 1,2-dioxygenase; minus strand). Cytogenetic location: 3q13.33.
Variant type: single nucleotide variant.
Coding change: c.1039C>T on transcript NM_000187.4 (MANE Select); coding-DNA position 1039, C replaced by T.
Protein change: p.Arg347Ter; replaces arginine 347 with a stop codon.
Molecular consequence: nonsense.
Genome position (GRCh38, 1-based): chr3:120,633,296, G>A on the plus strand (C>T on the coding strand, the complement: HGD is on the minus strand). VCF-style: chr3-120633296-G-A. GRCh37 (hg19) VCF-style: chr3-120352143-G-A.
Other names: p.Arg347*; short protein forms R347*.
Identifiers: ClinVar variation 850435 (VCV000850435.13), dbSNP rs975005146, ClinGen allele CA81778012.